The following is an entry in ClinVar:

ClinVar aggregate classification (germline): Benign. Review status: criteria provided, multiple submitters, no conflicts (2 of 4 stars). 6 submissions from 6 submitters: Benign (4). 2 of the submissions do not count toward it. Last evaluated 2026-02-01.

Conditions:
Acute infantile liver failure due to synthesis defect of mtDNA-encoded proteins. Also called: Liver failure acute infantile; TRMU Deficiency; LIVER FAILURE, INFANTILE, TRANSIENT. Identifiers: Orphanet 217371, MedGen C3278664, MONDO:0013111, OMIM 613070.

Allele frequency attached by ClinVar (database versions not stated): gnomAD exomes 0.00148 and 0.00365; ExAC 0.00462; gnomAD 0.01396 and 0.01506; TOPMed 0.01557; ESP Exome Variant Server 0.01630; 1000 Genomes Project 0.01677; 1000 Genomes Project 30x 0.01827.
gnomAD v4.1: 4,397 of 1,613,038 alleles (0.27%); highest among the groups gnomAD compares: African/African-American, 5%; 102 homozygotes.

Submissions (6):

Labcorp Genetics (formerly Invitae), Labcorp
Classification: Benign. Last evaluated: 2026-02-01. Review status: criteria provided, single submitter. Criteria: Invitae Variant Classification Sherloc (09022015). Collection method: clinical testing. Allele origin: germline.

ARUP Laboratories, Molecular Genetics and Genomics, ARUP Laboratories
Classification: Benign. Last evaluated: 2023-09-21. Review status: criteria provided, single submitter. Criteria: ARUP Molecular Germline Variant Investigation Process 2024. Collection method: clinical testing. Allele origin: germline.

Illumina Laboratory Services, Illumina
Classification: Benign for Acute infantile liver failure due to synthesis defect of mtDNA-encoded proteins. Last evaluated: 2018-01-13. Review status: criteria provided, single submitter. Criteria: ICSL Variant Classification Criteria 13 December 2019. Collection method: clinical testing. Allele origin: germline.
Comment: This variant was observed in the ICSL laboratory as part of a predisposition screen in an ostensibly healthy population. It had not been previously curated by ICSL or reported in the Human Gene Mutation Database (HGMD: prior to June 1st, 2018), and was therefore a candidate for classification through an automated scoring system. Utilizing variant allele frequency, disease prevalence and penetrance estimates, and inheritance mode, an automated score was calculated to assess if this variant is too frequent to cause the disease. Based on the score and internal cut-off values, a variant classified as benign is not then subjected to further curation. The score for this variant resulted in a classification of benign for this disease.

GeneDx
Classification: Benign. Last evaluated: 2014-03-17. Review status: criteria provided, single submitter. Criteria: GeneDx Variant Classification (06012015). Collection method: clinical testing. Allele origin: germline. Affected: yes.
Comment: This variant is considered likely benign or benign based on one or more of the following criteria: it is a conservative change, it occurs at a poorly conserved position in the protein, it is predicted to be benign by multiple in silico algorithms, and/or has population frequency not consistent with disease.

Natera, Inc.
Classification: Benign for Transient infantile liver failure. Last evaluated: 2020-09-16. Review status: no assertion criteria provided. Collection method: clinical testing. Allele origin: germline. Not counted in ClinVar's aggregate classification.

Mayo Clinic Laboratories, Mayo Clinic
Classification: Benign. Last evaluated: 2016-03-16. Review status: no assertion criteria provided. Collection method: clinical testing. Allele origin: unknown. Not counted in ClinVar's aggregate classification.

NM_018006.5(TRMU):c.442G>A (p.Glu148Lys)

Gene: TRMU (tRNA mitochondrial 2-thiouridylase; plus strand). Cytogenetic location: 22q13.31.
Variant type: single nucleotide variant.
Coding change: c.442G>A on transcript NM_018006.5 (MANE Select); coding-DNA position 442, G replaced by A.
Protein change: p.Glu148Lys; replaces glutamic acid 148 with lysine.
Molecular consequence: missense variant. On other transcripts: synonymous variant (2), non-coding transcript variant (2).
Genome position (GRCh38, 1-based): chr22:46,346,508, G>A. VCF-style: chr22-46346508-G-A. GRCh37 (hg19) VCF-style: chr22-46742405-G-A.
Other names: p.E148K:GAA>AAA; c.100G>A, p.Glu34Lys (NM_001282782.2); c.81G>A, p.Pro27= (NM_001282783.2, NM_001282784.2); c.442G>A, p.Glu148Lys (NM_001282785.2); short protein forms E148K, E34K.
Identifiers: ClinVar variation 137709 (VCV000137709.27), dbSNP rs34012206, ClinGen allele CA291369.